The following is an entry in ClinVar:

ClinVar aggregate classification (germline): Uncertain significance (1 of 4 stars; one submission).

Conditions:
EHHADH-related disorder. Also called: EHHADH-related condition.

gnomAD v4.1: 1 of 1,614,200 alleles (0.000062%); highest among the groups gnomAD compares: Non-Finnish European, 0.000085%; no homozygotes.

Submission:

PreventionGenetics, part of Exact Sciences
Classification: Uncertain significance for EHHADH-related condition. Last evaluated: 2025-08-11. Review status: criteria provided, single submitter. Criteria: ACMG Guidelines, 2015. Collection method: clinical testing. Allele origin: germline.
Comment: The EHHADH c.1346A>G variant is predicted to result in the amino acid substitution p.Gln449Arg. To our knowledge, this variant has not been reported in the literature. This variant is reported in 0.00088% of alleles in individuals of European (Non-Finnish) descent in gnomAD. At this time, the clinical significance of this variant is uncertain due to the absence of conclusive functional and genetic evidence.

NM_001966.4(EHHADH):c.1346A>G (p.Gln449Arg)

Gene: EHHADH (enoyl-CoA hydratase and 3-hydroxyacyl CoA dehydrogenase; minus strand). Cytogenetic location: 3q27.2.
Variant type: single nucleotide variant.
Coding change: c.1346A>G on transcript NM_001966.4 (MANE Select); coding-DNA position 1346, A replaced by G.
Protein change: p.Gln449Arg; replaces glutamine 449 with arginine.
Molecular consequence: missense variant.
Genome position (GRCh38, 1-based): chr3:185,193,052, T>C on the plus strand (A>G on the coding strand, the complement: EHHADH is on the minus strand). VCF-style: chr3-185193052-T-C. GRCh37 (hg19) VCF-style: chr3-184910840-T-C.
Other names: c.1058A>G, p.Gln353Arg (NM_001166415.2); short protein forms Q449R, Q353R.
Identifiers: ClinVar variation 4979181 (VCV004979181.1).